The following is an entry in ClinVar:

NM_001492.6(GDF1):c.934C>G (p.Pro312Ala)

Genes: CERS1 (ceramide synthase 1; minus strand), GDF1 (growth differentiation factor 1; minus strand). Cytogenetic location: 19p13.11.
Variant type: single nucleotide variant.
Coding change: c.934C>G on transcript NM_001492.6 (MANE Select); coding-DNA position 934, C replaced by G.
Protein change: p.Pro312Ala; replaces proline 312 with alanine.
Molecular consequence: missense variant. On other transcripts: 3 prime UTR variant (2).
Genome position (GRCh38, 1-based): chr19:18,868,782, G>C on the plus strand (C>G on the coding strand, the complement: GDF1 is on the minus strand). VCF-style: chr19-18868782-G-C. GRCh37 (hg19) VCF-style: chr19-18979591-G-C.
Other names: c.*1795C>G (NM_001387440.1); c.*1203C>G (NM_021267.5); c.934C>G, p.Pro312Ala (NM_001387438.1); short protein forms P312A.
Identifiers: ClinVar variation 2629019 (VCV002629019.1), dbSNP rs1568289554, ClinGen allele CA404862060.

ClinVar aggregate classification (germline): Uncertain significance (1 of 4 stars; one submission).

Conditions:
GDF1-related disorder. Also called: GDF1-related condition.

Allele frequency attached by ClinVar (database versions not stated): TOPMed 0.00001; gnomAD 0.00003; 1000 Genomes Project 30x 0.00016.
gnomAD v4.1: 114 of 1,464,542 alleles (0.0078%); highest among the groups gnomAD compares: East Asian, 0.34%; 1 homozygote.

Submission:

PreventionGenetics, part of Exact Sciences
Classification: Uncertain significance for GDF1-related condition. Last evaluated: 2022-12-15. Review status: criteria provided, single submitter. Criteria: ACMG Guidelines, 2015. Collection method: clinical testing. Allele origin: germline.
Comment: The GDF1 c.934C>G variant is predicted to result in the amino acid substitution p.Pro312Ala. To our knowledge, this variant has not been reported in the literature. A different missense variant affecting this residue (p.Pro312Thr) has been reported in an individual with tetralogy of Fallot (Karkera et al. 2007. PubMed ID: 17924340). This variant is reported in 0.015% of alleles in individuals of East Asian descent in gnomAD. At this time, the clinical significance of this variant is uncertain due to the absence of conclusive functional and genetic evidence.